The following is an entry in ClinVar:

ClinVar aggregate classification (germline): Uncertain significance. Review status: criteria provided, multiple submitters, no conflicts (2 of 4 stars). 2 submissions from 2 submitters: Uncertain significance (2). Last evaluated 2023-07-06.

Allele frequency attached by ClinVar (database versions not stated): gnomAD exomes 0.00001; ExAC 0.00002.
gnomAD v4.1: 11 of 1,614,182 alleles (0.00068%); highest among the groups gnomAD compares: South Asian, 0.0088%; no homozygotes.

Submissions (2):

Labcorp Genetics (formerly Invitae), Labcorp
Classification: Uncertain significance. Last evaluated: 2023-07-06. Review status: criteria provided, single submitter. Criteria: Invitae Variant Classification Sherloc (09022015). Collection method: clinical testing. Allele origin: germline.
Comment: In summary, the available evidence is currently insufficient to determine the role of this variant in disease. Therefore, it has been classified as a Variant of Uncertain Significance. This sequence change replaces leucine, which is neutral and non-polar, with proline, which is neutral and non-polar, at codon 185 of the ERMARD protein (p.Leu185Pro). This variant is present in population databases (rs761378032, gnomAD 0.006%). This variant has not been reported in the literature in individuals affected with ERMARD-related conditions. Advanced modeling of protein sequence and biophysical properties (such as structural, functional, and spatial information, amino acid conservation, physicochemical variation, residue mobility, and thermodynamic stability) performed at Invitae indicates that this missense variant is expected to disrupt ERMARD protein function.

Ambry Genetics
Classification: Uncertain significance. Last evaluated: 2023-05-24. Review status: criteria provided, single submitter. Criteria: Ambry Variant Classification Scheme 2023. Collection method: clinical testing. Allele origin: germline.

NM_018341.3(ERMARD):c.554T>C (p.Leu185Pro)

Gene: ERMARD (ER membrane associated RNA degradation; plus strand). Cytogenetic location: 6q27.
Variant type: single nucleotide variant.
Coding change: c.554T>C on transcript NM_018341.3 (MANE Select); coding-DNA position 554, T replaced by C.
Protein change: p.Leu185Pro; replaces leucine 185 with proline.
Molecular consequence: missense variant.
Genome position (GRCh38, 1-based): chr6:169,759,014, T>C. VCF-style: chr6-169759014-T-C. GRCh37 (hg19) VCF-style: chr6-170159110-T-C.
Other names: c.554T>C, p.Leu185Pro (NM_001278531.2, NM_001278533.2); c.176T>C, p.Leu59Pro (NM_001278532.2, NM_001410957.1); short protein forms L185P, L59P.
Identifiers: ClinVar variation 2551399 (VCV002551399.5), dbSNP rs761378032, ClinGen allele CA4105891.